The following is an entry in ClinVar:

ClinVar aggregate classification (germline): Uncertain significance (1 of 4 stars; one submission).

Allele frequency attached by ClinVar (database versions not stated): gnomAD exomes below 0.00001; ExAC 0.00001.
gnomAD v4.1: 1 of 1,614,192 alleles (0.000062%); highest among the groups gnomAD compares: Non-Finnish European, 0.000085%; no homozygotes.

Submission:

Labcorp Genetics (formerly Invitae), Labcorp
Classification: Uncertain significance. Last evaluated: 2025-07-23. Review status: criteria provided, single submitter. Criteria: Invitae Variant Classification Sherloc (09022015). Collection method: clinical testing. Allele origin: germline.
Comment: This sequence change replaces alanine, which is neutral and non-polar, with threonine, which is neutral and polar, at codon 394 of the NEFH protein (p.Ala394Thr). This variant is present in population databases (rs764910272, gnomAD 0.0009%). This variant has not been reported in the literature in individuals affected with NEFH-related conditions. ClinVar contains an entry for this variant (Variation ID: 2839138). Experimental studies and prediction algorithms are not available or were not evaluated, and the functional significance of this variant is currently unknown. In summary, the available evidence is currently insufficient to determine the role of this variant in disease. Therefore, it has been classified as a Variant of Uncertain Significance.

NM_021076.4(NEFH):c.1180G>A (p.Ala394Thr)

Gene: NEFH (neurofilament heavy chain; plus strand). Cytogenetic location: 22q12.2.
Variant type: single nucleotide variant.
Coding change: c.1180G>A on transcript NM_021076.4 (MANE Select); coding-DNA position 1180, G replaced by A.
Protein change: p.Ala394Thr; replaces alanine 394 with threonine.
Molecular consequence: missense variant.
Genome position (GRCh38, 1-based): chr22:29,485,819, G>A. VCF-style: chr22-29485819-G-A. GRCh37 (hg19) VCF-style: chr22-29881808-G-A.
Other names: short protein forms A394T.
Identifiers: ClinVar variation 2839138 (VCV002839138.3), dbSNP rs764910272, ClinGen allele CA10174136.